The following is an entry in ClinVar:

NM_198253.3(TERT):c.2443C>T (p.His815Tyr)

Gene: TERT (telomerase reverse transcriptase; minus strand). Cytogenetic location: 5p15.33.
Variant type: single nucleotide variant.
Coding change: c.2443C>T on transcript NM_198253.3 (MANE Select); coding-DNA position 2443, C replaced by T.
Protein change: p.His815Tyr; replaces histidine 815 with tyrosine.
Molecular consequence: missense variant.
Genome position (GRCh38, 1-based): chr5:1,271,144, G>A on the plus strand (C>T on the coding strand, the complement: TERT is on the minus strand). VCF-style: chr5-1271144-G-A. GRCh37 (hg19) VCF-style: chr5-1271259-G-A.
Other names: c.2443C>T, p.His815Tyr (NM_001193376.3, NM_003219.1); short protein forms H815Y.
Identifiers: ClinVar variation 2941777 (VCV002941777.4), dbSNP rs2478200126, ClinGen allele CA359075702.
Genomic context (GRCh38, chr5:1,271,144, plus strand): 5'-CCCGCAGGGCAATGGCACCTGGCCACCTGACTCACTTGCCCCTGATGCGCACGGCGTGGT[G>A]GCACATGAAGCGTAGGAAGACGTCGAAGAGGCCACTGCTGGCCTCATTCAGGGAGGAGCT-3'
Protein context (NP_937983.2, residues 805-825): LFDVFLRFMC[His815Tyr]HAVRIRGKSY

ClinVar aggregate classification (germline): Uncertain significance. Review status: criteria provided, multiple submitters, no conflicts (2 of 4 stars). 2 submissions from 2 submitters: Uncertain significance (2). Last evaluated 2025-03-20.

Conditions:
Dyskeratosis congenita. Identifiers: Orphanet 1775, MedGen C0265965, MONDO:0015780.
Idiopathic Pulmonary Fibrosis. Also called: Idiopathic fibrosing alveolitis, chronic form; idiopathic fibrosing alveolitis. Identifiers: Orphanet 2032, MedGen C1800706, MeSH D054990, MONDO:0800504.
Dyskeratosis congenita, autosomal dominant 2. Identifiers: MedGen C3151443, MONDO:0013521, OMIM 613989.

Submissions (2):

Ambry Genetics
Classification: Uncertain significance for Dyskeratosis congenita. Last evaluated: 2025-03-20. Review status: criteria provided, single submitter. Criteria: Ambry Variant Classification Scheme 2023. Collection method: clinical testing. Allele origin: germline.
Comment: The p.H815Y variant (also known as c.2443C>T), located in coding exon 8 of the TERT gene, results from a C to T substitution at nucleotide position 2443. The histidine at codon 815 is replaced by tyrosine, an amino acid with similar properties. This amino acid position is conserved. In addition, this alteration is predicted to be tolerated by in silico analysis. Based on the available evidence, the clinical significance of this variant remains unclear.

Labcorp Genetics (formerly Invitae), Labcorp
Classification: Uncertain significance for Dyskeratosis congenita, autosomal dominant 2; Idiopathic Pulmonary Fibrosis. Last evaluated: 2022-11-23. Review status: criteria provided, single submitter. Criteria: Invitae Variant Classification Sherloc (09022015). Collection method: clinical testing. Allele origin: germline.
Comment: In summary, the available evidence is currently insufficient to determine the role of this variant in disease. Therefore, it has been classified as a Variant of Uncertain Significance. Algorithms developed to predict the effect of missense changes on protein structure and function (SIFT, PolyPhen-2, Align-GVGD) all suggest that this variant is likely to be tolerated. This variant has not been reported in the literature in individuals affected with TERT-related conditions. This variant is not present in population databases (gnomAD no frequency). This sequence change replaces histidine, which is basic and polar, with tyrosine, which is neutral and polar, at codon 815 of the TERT protein (p.His815Tyr).